The following is an entry in ClinVar:

ClinVar aggregate classification (germline): Uncertain significance (1 of 4 stars; one submission).

Submission:

Labcorp Genetics (formerly Invitae), Labcorp
Classification: Uncertain significance. Last evaluated: 2022-07-19. Review status: criteria provided, single submitter. Criteria: Invitae Variant Classification Sherloc (09022015). Collection method: clinical testing. Allele origin: germline.
Comment: Variants that disrupt the consensus splice site are a relatively common cause of aberrant splicing (PMID: 17576681, 9536098). Algorithms developed to predict the effect of sequence changes on RNA splicing suggest that this variant is not likely to affect RNA splicing. In summary, the available evidence is currently insufficient to determine the role of this variant in disease. Therefore, it has been classified as a Variant of Uncertain Significance. ClinVar contains an entry for this variant (Variation ID: 1372431). This variant has not been reported in the literature in individuals affected with CFI-related conditions. This variant is not present in population databases (gnomAD no frequency). This sequence change falls in intron 2 of the CFI gene. It does not directly change the encoded amino acid sequence of the CFI protein. It affects a nucleotide within the consensus splice site.

Literature cited by the submitters: PubMed 17576681; PubMed 9536098.

NM_000204.5(CFI):c.328+5C>A

Gene: CFI (complement factor I; minus strand). Cytogenetic location: 4q25.
Variant type: single nucleotide variant.
Coding change: c.328+5C>A on transcript NM_000204.5 (MANE Select); 5 bases into the intron after coding-DNA position 328, C replaced by A.
Molecular consequence: intron variant.
Genome position (GRCh38, 1-based): chr4:109,766,549, G>T on the plus strand (C>A on the coding strand, the complement: CFI is on the minus strand). VCF-style: chr4-109766549-G-T. GRCh37 (hg19) VCF-style: chr4-110687705-G-T.
Other names: c.328+5C>A (NM_001375282.1, NM_001375280.1, NM_001375281.1 and 5 more transcripts); c.-127-4857C>A (NM_001375284.1).
Identifiers: ClinVar variation 1372431 (VCV001372431.6), dbSNP rs1373471002, ClinGen allele CA785216980.